The following is an entry in ClinVar:

NM_013275.6(ANKRD11):c.3758A>G (p.Lys1253Arg)

Gene: ANKRD11 (ankyrin repeat domain 11; minus strand). Cytogenetic location: 16q24.3.
Variant type: single nucleotide variant.
Coding change: c.3758A>G on transcript NM_013275.6 (MANE Select); coding-DNA position 3758, A replaced by G.
Protein change: p.Lys1253Arg; replaces lysine 1253 with arginine.
Molecular consequence: missense variant.
Genome position (GRCh38, 1-based): chr16:89,282,784, T>C on the plus strand (A>G on the coding strand, the complement: ANKRD11 is on the minus strand). VCF-style: chr16-89282784-T-C. GRCh37 (hg19) VCF-style: chr16-89349192-T-C.
Other names: c.3758A>G, p.Lys1253Arg (NM_001256182.2, NM_001256183.2); short protein forms K1253R.
Identifiers: ClinVar variation 2117987 (VCV002117987.4), dbSNP rs2544235883, ClinGen allele CA397159073.

ClinVar aggregate classification (germline): Uncertain significance (1 of 4 stars; one submission).

Conditions:
KBG syndrome (KBGS). Also called: ANKRD11-Related KBG Syndrome. Identifiers: Orphanet 2332, MedGen C0220687, MONDO:0007846, OMIM 148050.

Submission:

Labcorp Genetics (formerly Invitae), Labcorp
Classification: Uncertain significance for KBG syndrome. Last evaluated: 2022-03-27. Review status: criteria provided, single submitter. Criteria: Invitae Variant Classification Sherloc (09022015). Collection method: clinical testing. Allele origin: germline.
Comment: This variant has not been reported in the literature in individuals affected with ANKRD11-related conditions. In summary, the available evidence is currently insufficient to determine the role of this variant in disease. Therefore, it has been classified as a Variant of Uncertain Significance. Advanced modeling of protein sequence and biophysical properties (such as structural, functional, and spatial information, amino acid conservation, physicochemical variation, residue mobility, and thermodynamic stability) performed at Invitae indicates that this missense variant is not expected to disrupt ANKRD11 protein function. This variant is not present in population databases (gnomAD no frequency). This sequence change replaces lysine, which is basic and polar, with arginine, which is basic and polar, at codon 1253 of the ANKRD11 protein (p.Lys1253Arg).